The following is an entry in ClinVar:

ClinVar aggregate classification (germline): Likely benign. Review status: criteria provided, multiple submitters, no conflicts (2 of 4 stars). 3 submissions from 3 submitters: Likely benign (3). Last evaluated 2026-03-01.

Conditions:
FMN2-related disorder. Also called: FMN2-related condition.

Submissions (3):

CeGaT Center for Human Genetics Tuebingen
Classification: Likely benign. Last evaluated: 2026-03-01. Review status: criteria provided, single submitter. Criteria: CeGaT Center For Human Genetics Tuebingen Variant Classification Criteria Version 2. Collection method: clinical testing. Allele origin: germline. Affected: yes. Observed: 5 variant alleles.
Comment: FMN2: BP4, BP7

Blueprint Genetics
Classification: Likely benign. Last evaluated: 2024-05-21. Review status: criteria provided, single submitter. Criteria: ACMG Guidelines, 2015. Collection method: clinical testing. Allele origin: germline.

PreventionGenetics, part of Exact Sciences
Classification: Likely benign for FMN2-related condition. Last evaluated: 2020-12-21. Review status: criteria provided, single submitter. Criteria: ACMG Guidelines, 2015. Collection method: clinical testing. Allele origin: germline.
Comment: This variant is classified as likely benign based on ACMG/AMP sequence variant interpretation guidelines (Richards et al. 2015 PMID: 25741868, with internal and published modifications).

NM_020066.5(FMN2):c.3207A>T (p.Leu1069=)

Gene: FMN2 (formin 2; plus strand). Cytogenetic location: 1q43.
Variant type: single nucleotide variant.
Coding change: c.3207A>T on transcript NM_020066.5 (MANE Select); coding-DNA position 3207, A replaced by T.
Protein change: p.Leu1069=; no amino-acid change (leucine 1069 retained).
Molecular consequence: synonymous variant. On other transcripts: intron variant (1).
Genome position (GRCh38, 1-based): chr1:240,208,019, A>T. VCF-style: chr1-240208019-A-T. GRCh37 (hg19) VCF-style: chr1-240371319-A-T.
Other names: c.3207A>T (NM_020066.4); c.3219A>T, p.Leu1073= (NM_001305424.2); c.1986+19757A>T (NM_001348094.2).
Identifiers: ClinVar variation 2640173 (VCV002640173.26), dbSNP rs1220407334, ClinGen allele CA1477032.